The following is an entry in ClinVar:

NM_000108.5(DLD):c.684+189G>C

Gene: DLD (dihydrolipoamide dehydrogenase; plus strand). Cytogenetic location: 7q31.1.
Variant type: single nucleotide variant.
Coding change: c.684+189G>C on transcript NM_000108.5 (MANE Select); 189 bases into the intron after coding-DNA position 684, G replaced by C.
Molecular consequence: intron variant.
Genome position (GRCh38, 1-based): chr7:107,906,557, G>C. VCF-style: chr7-107906557-G-C. GRCh37 (hg19) VCF-style: chr7-107547002-G-C.
Other names: c.540+189G>C (NM_001289752.1); c.615+189G>C (NM_001289751.1); c.387+189G>C (NM_001289750.1).
Identifiers: ClinVar variation 683738 (VCV000683738.2), dbSNP rs10252490, ClinGen allele CA12653141.

ClinVar aggregate classification (germline): Benign. Review status: criteria provided, multiple submitters, no conflicts (2 of 4 stars). 2 submissions from 2 submitters: Benign (2). Last evaluated 2018-06-14.

Allele frequency attached by ClinVar (database versions not stated): gnomAD 0.31121 and 0.31144; TOPMed 0.32525; 1000 Genomes Project 0.40415; 1000 Genomes Project 30x 0.40912.
gnomAD v4.1: 47,164 of 151,952 alleles (31%); highest among the groups gnomAD compares: African/African-American, 57%; 9,580 homozygotes.

Submissions (2):

GeneDx
Classification: Benign. Last evaluated: 2018-06-14. Review status: criteria provided, single submitter. Criteria: GeneDx Variant Classification (06012015). Collection method: clinical testing. Allele origin: germline. Affected: yes.
Comment: This variant is considered likely benign or benign based on one or more of the following criteria: it is a conservative change, it occurs at a poorly conserved position in the protein, it is predicted to be benign by multiple in silico algorithms, and/or has population frequency not consistent with disease.

Breakthrough Genomics
Classification: Benign. Review status: criteria provided, single submitter. Criteria: ACMG Guidelines, 2015. Collection method: not provided. Allele origin: germline. Inheritance: Autosomal recessive inheritance. Affected: yes.